The following is an entry in ClinVar:

NM_001009944.3(PKD1):c.2193G>T (p.Pro731=)

Gene: PKD1 (polycystin 1, transient receptor potential channel interacting; minus strand). Cytogenetic location: 16p13.3.
Variant type: single nucleotide variant.
Coding change: c.2193G>T on transcript NM_001009944.3 (MANE Select); coding-DNA position 2193, G replaced by T.
Protein change: p.Pro731=; no amino-acid change (proline 731 retained).
Molecular consequence: synonymous variant.
Genome position (GRCh38, 1-based): chr16:2,114,830, C>A on the plus strand (G>T on the coding strand, the complement: PKD1 is on the minus strand). VCF-style: chr16-2114830-C-A. GRCh37 (hg19) VCF-style: chr16-2164831-C-A.
Other names: c.2193G>T, p.Pro731= (NM_000296.4).
Identifiers: ClinVar variation 1198365 (VCV001198365.34), dbSNP rs768813212, ClinGen allele CA7833265.

ClinVar aggregate classification (germline): Likely benign. Review status: criteria provided, multiple submitters, no conflicts (2 of 4 stars). 5 submissions from 5 submitters: Likely benign (5). Last evaluated 2025-04-03.

Conditions:
Polycystic kidney disease, adult type (PKD1). Also called: POLYCYSTIC KIDNEY DISEASE 1 WITH OR WITHOUT POLYCYSTIC LIVER DISEASE; Polycystic Kidney, Autosomal Dominant; Polycystic Kidney Disease 1, Autosomal Dominant; Polycystic kidney disease 1; Polycystic kidney disease 1, severe; POLYCYSTIC KIDNEY DISEASE, ADULT, TYPE I. Identifiers: MedGen C3149841, MONDO:0008263, OMIM 173900.

Allele frequency attached by ClinVar (database versions not stated): ExAC 0.00018; gnomAD exomes 0.00023; 1000 Genomes Project 30x 0.00031; gnomAD 0.00038 and 0.00041.

Submissions (5):

Women's Health and Genetics/Laboratory Corporation of America, LabCorp
Classification: Likely benign. Last evaluated: 2025-04-03. Review status: criteria provided, single submitter. Criteria: LabCorp Variant Classification Summary - May 2015. Collection method: clinical testing. Allele origin: germline.

Blueprint Genetics
Classification: Likely benign. Last evaluated: 2024-10-16. Review status: criteria provided, single submitter. Criteria: ACMG Guidelines, 2015. Collection method: clinical testing. Allele origin: germline.

CeGaT Center for Human Genetics Tuebingen
Classification: Likely benign. Last evaluated: 2023-03-01. Review status: criteria provided, single submitter. Criteria: CeGaT Center For Human Genetics Tuebingen Variant Classification Criteria Version 2. Collection method: clinical testing. Allele origin: germline. Affected: yes. Observed: 2 variant alleles.
Comment: PKD1: BP4, BP7

Fulgent Genetics
Classification: Likely benign for Polycystic kidney disease, adult type. Last evaluated: 2021-12-20. Review status: criteria provided, single submitter. Criteria: ACMG Guidelines, 2015. Collection method: clinical testing. Allele origin: unknown.

GeneDx
Classification: Likely benign. Last evaluated: 2021-03-01. Review status: criteria provided, single submitter. Criteria: GeneDx Variant Classification Process June 2021. Collection method: clinical testing. Allele origin: germline. Affected: yes.